The following is an entry in ClinVar:

NM_032444.4(SLX4):c.4760C>G (p.Pro1587Arg)

Gene: SLX4 (SLX4 structure-specific endonuclease subunit; minus strand). Cytogenetic location: 16p13.3.
Variant type: single nucleotide variant.
Coding change: c.4760C>G on transcript NM_032444.4 (MANE Select); coding-DNA position 4760, C replaced by G.
Protein change: p.Pro1587Arg; replaces proline 1587 with arginine.
Molecular consequence: missense variant.
Genome position (GRCh38, 1-based): chr16:3,583,490, G>C on the plus strand (C>G on the coding strand, the complement: SLX4 is on the minus strand). VCF-style: chr16-3583490-G-C. GRCh37 (hg19) VCF-style: chr16-3633491-G-C.
Other names: short protein forms P1587R.
Identifiers: ClinVar variation 1518968 (VCV001518968.8), dbSNP rs2040468443, ClinGen allele CA394515579.

ClinVar aggregate classification (germline): Uncertain significance (1 of 4 stars; one submission).

Conditions:
Fanconi anemia (FA). Also called: Fanconi's anemia. Identifiers: Orphanet 84, MedGen C0015625, MeSH D005199, MONDO:0019391.

Submission:

Labcorp Genetics (formerly Invitae), Labcorp
Classification: Uncertain significance for Fanconi anemia. Last evaluated: 2021-05-10. Review status: criteria provided, single submitter. Criteria: Invitae Variant Classification Sherloc (09022015). Collection method: clinical testing. Allele origin: germline.
Comment: This sequence change replaces proline with arginine at codon 1587 of the SLX4 protein (p.Pro1587Arg). The proline residue is highly conserved and there is a moderate physicochemical difference between proline and arginine. This variant is not present in population databases (ExAC no frequency). This variant has not been reported in the literature in individuals with SLX4-related conditions. Algorithms developed to predict the effect of missense changes on protein structure and function (SIFT, PolyPhen-2, Align-GVGD) all suggest that this variant is likely to be disruptive, but these predictions have not been confirmed by published functional studies and their clinical significance is uncertain. In summary, the available evidence is currently insufficient to determine the role of this variant in disease. Therefore, it has been classified as a Variant of Uncertain Significance.